The following is an entry in ClinVar:

ClinVar aggregate classification (germline): Uncertain significance. Review status: criteria provided, multiple submitters, no conflicts (2 of 4 stars). 3 submissions from 3 submitters: Uncertain significance (2). 1 of the submissions does not count toward it. Last evaluated 2024-11-06.

Conditions:
ADCY3-related disorder. Also called: ADCY3-related condition.

Allele frequency attached by ClinVar (database versions not stated): ESP Exome Variant Server 0.00054; ExAC 0.00074.
gnomAD v4.1: 1,907 of 1,613,972 alleles (0.12%); highest among the groups gnomAD compares: Non-Finnish European, 0.14%; 1 homozygote.

Submissions (3):

Blueprint Genetics
Classification: Uncertain significance. Last evaluated: 2024-11-06. Review status: criteria provided, single submitter. Criteria: ACMG Guidelines, 2015. Collection method: clinical testing. Allele origin: germline.

Labcorp Genetics (formerly Invitae), Labcorp
Classification: Uncertain significance. Last evaluated: 2024-10-25. Review status: criteria provided, single submitter. Criteria: Invitae Variant Classification Sherloc (09022015). Collection method: clinical testing. Allele origin: germline.
Comment: This sequence change replaces valine, which is neutral and non-polar, with isoleucine, which is neutral and non-polar, at codon 1079 of the ADCY3 protein (p.Val1079Ile). This variant is present in population databases (rs146553503, gnomAD 0.2%), and has an allele count higher than expected for a pathogenic variant. This variant has not been reported in the literature in individuals affected with ADCY3-related conditions. Invitae Evidence Modeling of protein sequence and biophysical properties (such as structural, functional, and spatial information, amino acid conservation, physicochemical variation, residue mobility, and thermodynamic stability) indicates that this missense variant is not expected to disrupt ADCY3 protein function with a negative predictive value of 80%. In summary, the available evidence is currently insufficient to determine the role of this variant in disease. Therefore, it has been classified as a Variant of Uncertain Significance.

PreventionGenetics, part of Exact Sciences
Classification: Likely benign for ADCY3-related condition. Last evaluated: 2022-02-03. Review status: no assertion criteria provided. Collection method: clinical testing. Allele origin: germline. Not counted in ClinVar's aggregate classification.
Comment: This variant is classified as likely benign based on ACMG/AMP sequence variant interpretation guidelines (Richards et al. 2015 PMID: 25741868, with internal and published modifications).

NM_004036.5(ADCY3):c.3235G>A (p.Val1079Ile)

Genes: ADCY3 (adenylate cyclase 3; minus strand), CENPO (centromere protein O; plus strand). Cytogenetic location: 2p23.3.
Variant type: single nucleotide variant.
Coding change: c.3235G>A on transcript NM_004036.5 (MANE Select); coding-DNA position 3235, G replaced by A.
Protein change: p.Val1079Ile; replaces valine 1079 with isoleucine.
Molecular consequence: missense variant. On other transcripts: 3 prime UTR variant (3), non-coding transcript variant (3).
Genome position (GRCh38, 1-based): chr2:24,820,741, C>T on the plus strand (G>A on the coding strand, the complement: ADCY3 is on the minus strand). VCF-style: chr2-24820741-C-T. GRCh37 (hg19) VCF-style: chr2-25043610-C-T.
Other names: c.3238G>A, p.Val1080Ile (NM_001320613.2); c.3301G>A, p.Val1101Ile (NM_001377128.1); c.3097G>A, p.Val1033Ile (NM_001377129.1); c.2683G>A, p.Val895Ile (NM_001377130.1); c.2512G>A, p.Val838Ile (NM_001377131.1); c.3235G>A, p.Val1079Ile (NM_001377132.1); c.*1423C>T (NM_001199803.3, NM_001322101.2, NM_024322.4); short protein forms V1033I, V1079I, V1080I, V1101I, V838I, V895I.
Identifiers: ClinVar variation 3044576 (VCV003044576.4), dbSNP rs146553503, ClinGen allele CA1553474.